The following is an entry in ClinVar:

NM_021927.3(GUF1):c.70C>T (p.Leu24Phe)

Genes: GUF1 (GTP binding elongation factor GUF1; plus strand), LOC129992541 (ATAC-STARR-seq lymphoblastoid silent region 15397; plus strand). Cytogenetic location: 4p12.
Variant type: single nucleotide variant.
Coding change: c.70C>T on transcript NM_021927.3 (MANE Select); coding-DNA position 70, C replaced by T.
Protein change: p.Leu24Phe; replaces leucine 24 with phenylalanine.
Molecular consequence: missense variant. On other transcripts: 5 prime UTR variant (2).
Genome position (GRCh38, 1-based): chr4:44,678,692, C>T. VCF-style: chr4-44678692-C-T. GRCh37 (hg19) VCF-style: chr4-44680709-C-T.
Other names: c.-899C>T (NM_001345867.2); c.70C>T, p.Leu24Phe (NM_001345868.2); c.-791C>T (NM_001345869.2); short protein forms L24F.
Identifiers: ClinVar variation 2181296 (VCV002181296.4), dbSNP rs1194673912, ClinGen allele CA356759924.

ClinVar aggregate classification (germline): Uncertain significance (1 of 4 stars; one submission).

Allele frequency attached by ClinVar (database versions not stated): TOPMed below 0.00001; gnomAD 0.00001; gnomAD exomes 0.00001.
gnomAD v4.1: 11 of 1,504,784 alleles (0.00073%); highest among the groups gnomAD compares: Middle Eastern, 0.018%; no homozygotes.

Submission:

Labcorp Genetics (formerly Invitae), Labcorp
Classification: Uncertain significance. Last evaluated: 2024-02-22. Review status: criteria provided, single submitter. Criteria: Invitae Variant Classification Sherloc (09022015). Collection method: clinical testing. Allele origin: germline.
Comment: This sequence change replaces leucine, which is neutral and non-polar, with phenylalanine, which is neutral and non-polar, at codon 24 of the GUF1 protein (p.Leu24Phe). This variant is present in population databases (no rsID available, gnomAD 0.02%). This variant has not been reported in the literature in individuals affected with GUF1-related conditions. ClinVar contains an entry for this variant (Variation ID: 2181296). An algorithm developed to predict the effect of missense changes on protein structure and function (PolyPhen-2) suggests that this variant is likely to be tolerated. In summary, the available evidence is currently insufficient to determine the role of this variant in disease. Therefore, it has been classified as a Variant of Uncertain Significance.